The following is an entry in ClinVar:

ClinVar aggregate classification (germline): Uncertain significance (1 of 4 stars; one submission).

gnomAD v4.1: 11 of 1,536,342 alleles (0.00072%); highest among the groups gnomAD compares: Non-Finnish European, 0.00096%; no homozygotes.

Submission:

Women's Health and Genetics/Laboratory Corporation of America, LabCorp
Classification: Uncertain significance. Last evaluated: 2024-12-04. Review status: criteria provided, single submitter. Criteria: LabCorp Variant Classification Summary - May 2015. Collection method: clinical testing. Allele origin: germline.
Comment: Variant summary: ARID1B c.362C>A (p.Ser121Tyr) results in a non-conservative amino acid change in the encoded protein sequence. Two of three in-silico tools predict a benign effect of the variant on protein function. The variant was absent in 133804 control chromosomes. The available data on variant occurrences in the general population are insufficient to allow any conclusion about variant significance. To our knowledge, no occurrence of c.362C>A in individuals affected with Coffin-Siris Syndrome 1 and no experimental evidence demonstrating its impact on protein function have been reported. No submitters have cited clinical-significance assessments for this variant to ClinVar. Based on the evidence outlined above, the variant was classified as uncertain significance.

NM_001374828.1(ARID1B):c.362C>A (p.Ser121Tyr)

Genes: ARID1B (AT-rich interaction domain 1B; plus strand), LOC115308161 (uncharacterized LOC115308161; minus strand). Cytogenetic location: 6q25.3.
Variant type: single nucleotide variant.
Coding change: c.362C>A on transcript NM_001374828.1 (MANE Select); coding-DNA position 362, C replaced by A.
Protein change: p.Ser121Tyr; replaces serine 121 with tyrosine.
Molecular consequence: missense variant.
Genome position (GRCh38, 1-based): chr6:156,778,042, C>A. VCF-style: chr6-156778042-C-A. GRCh37 (hg19) VCF-style: chr6-157099176-C-A.
Other names: c.362C>A, p.Ser121Tyr (NM_001371656.1, NM_001374820.1, NM_017519.3); short protein forms S121Y.
Identifiers: ClinVar variation 3768277 (VCV003768277.1).